The following is an entry in ClinVar:

NM_033380.3(COL4A5):c.3917G>T (p.Gly1306Val)

Gene: COL4A5 (collagen type IV alpha 5 chain; plus strand). Cytogenetic location: Xq22.3.
Variant type: single nucleotide variant.
Coding change: c.3917G>T on transcript NM_033380.3 (MANE Select); coding-DNA position 3917, G replaced by T.
Protein change: p.Gly1306Val; replaces glycine 1306 with valine.
Molecular consequence: missense variant.
Genome position (GRCh38, 1-based): chrX:108,677,608, G>T. VCF-style: chrX-108677608-G-T. GRCh37 (hg19) VCF-style: chrX-107920838-G-T.
Other names: c.3899G>T, p.Gly1300Val (NM_000495.5); short protein forms G1300V, G1306V.
Identifiers: ClinVar variation 2005933 (VCV002005933.4), dbSNP rs2524602778, ClinGen allele CA413850876.
Genomic context (GRCh38, chrX:108,677,608, plus strand): 5'-TTAAAGGAGAGAAGGGAAATCCAGGCCAACCTGGGCTACCTGGCTTGCCTGGTTTGAAAG[G>T]AGATCAAGGACCACCAGGACTCCAGGTAGGAAATGGAAGTAGATATCTGATGAGAGAAGA-3'
Protein context (NP_203699.1, residues 1296-1316): PGLPGLPGLK[Gly1306Val]DQGPPGLQGN

ClinVar aggregate classification (germline): Likely pathogenic (1 of 4 stars; one submission).

Submission:

Labcorp Genetics (formerly Invitae), Labcorp
Classification: Likely pathogenic. Last evaluated: 2022-11-08. Review status: criteria provided, single submitter. Criteria: Invitae Variant Classification Sherloc (09022015). Collection method: clinical testing. Allele origin: germline.
Comment: In summary, the currently available evidence indicates that the variant is pathogenic, but additional data are needed to prove that conclusively. Therefore, this variant has been classified as Likely Pathogenic. This variant disrupts the triple helix domain of COL4A5. Glycine residues within the Gly-Xaa-Yaa repeats of the triple helix domain are required for the structure and stability of fibrillar collagens (PMID: 7695699, 8218237, 19344236). In COL4A5, missense variants at these glycine residues are significantly enriched in individuals with disease (PMID: 23720012, 27627812) compared to the general population (ExAC). Advanced modeling of protein sequence and biophysical properties (such as structural, functional, and spatial information, amino acid conservation, physicochemical variation, residue mobility, and thermodynamic stability) performed at Invitae indicates that this missense variant is expected to disrupt COL4A5 protein function. This variant has not been reported in the literature in individuals affected with COL4A5-related conditions. This variant is not present in population databases (gnomAD no frequency). This sequence change replaces glycine, which is neutral and non-polar, with valine, which is neutral and non-polar, at codon 1300 of the COL4A5 protein (p.Gly1300Val).

Literature cited by the submitters: PubMed 7695699; PubMed 8218237; PubMed 19344236; PubMed 23720012; PubMed 27627812.